The following is an entry in ClinVar:

NM_003072.5(SMARCA4):c.1633A>C (p.Lys545Gln)

Gene: SMARCA4 (SWI/SNF related BAF chromatin remodeling complex subunit ATPase 4; plus strand). Cytogenetic location: 19p13.2.
Variant type: single nucleotide variant.
Coding change: c.1633A>C on transcript NM_003072.5 (MANE Select); coding-DNA position 1633, A replaced by C.
Protein change: p.Lys545Gln; replaces lysine 545 with glutamine.
Molecular consequence: missense variant. On other transcripts: non-coding transcript variant (1).
Genome position (GRCh38, 1-based): chr19:10,996,252, A>C. VCF-style: chr19-10996252-A-C. GRCh37 (hg19) VCF-style: chr19-11106928-A-C.
Other names: c.1633A>C, p.Lys545Gln (NM_001128844.3, NM_001128845.2, NM_001128846.2 and 6 more transcripts); short protein forms K545Q.
Identifiers: ClinVar variation 3636850 (VCV003636850.2).

ClinVar aggregate classification (germline): Uncertain significance (1 of 4 stars; one submission).

Conditions:
Rhabdoid tumor predisposition syndrome 2 (RTPS2). Identifiers: Orphanet 231108, Orphanet 69077, MedGen C2750074, MONDO:0013224, OMIM 613325.

gnomAD v4.1: 1 of 1,614,226 alleles (0.000062%); highest among the groups gnomAD compares: Non-Finnish European, 0.000085%; no homozygotes.

Submission:

Labcorp Genetics (formerly Invitae), Labcorp
Classification: Uncertain significance for Rhabdoid tumor predisposition syndrome 2. Last evaluated: 2025-01-15. Review status: criteria provided, single submitter. Criteria: Invitae Variant Classification Sherloc (09022015). Collection method: clinical testing. Allele origin: germline.
Comment: This sequence change replaces lysine, which is basic and polar, with glutamine, which is neutral and polar, at codon 545 of the SMARCA4 protein (p.Lys545Gln). This variant is not present in population databases (gnomAD no frequency). This variant has not been reported in the literature in individuals affected with SMARCA4-related conditions. Invitae Evidence Modeling of protein sequence and biophysical properties (such as structural, functional, and spatial information, amino acid conservation, physicochemical variation, residue mobility, and thermodynamic stability) has been performed for this missense variant. However, the output from this modeling did not meet the statistical confidence thresholds required to predict the impact of this variant on SMARCA4 protein function. In summary, the available evidence is currently insufficient to determine the role of this variant in disease. Therefore, it has been classified as a Variant of Uncertain Significance.